The following is an entry in ClinVar:

ClinVar aggregate classification (germline): Likely benign (1 of 4 stars; one submission).

Submission:

CeGaT Center for Human Genetics Tuebingen
Classification: Likely benign. Last evaluated: 2023-10-01. Review status: criteria provided, single submitter. Criteria: CeGaT Center For Human Genetics Tuebingen Variant Classification Criteria Version 2. Collection method: clinical testing. Allele origin: germline. Affected: yes. Observed: 1 variant allele.
Comment: PBXIP1: PM2:Supporting, BP4, BP7

NM_020524.4(PBXIP1):c.1299C>T (p.Gly433=)

Gene: PBXIP1 (PBX homeobox interacting protein 1; minus strand). Cytogenetic location: 1q21.3.
Variant type: single nucleotide variant.
Coding change: c.1299C>T on transcript NM_020524.4 (MANE Select); coding-DNA position 1299, C replaced by T.
Protein change: p.Gly433=; no amino-acid change (glycine 433 retained).
Molecular consequence: synonymous variant.
Genome position (GRCh38, 1-based): chr1:154,946,375, G>A on the plus strand (C>T on the coding strand, the complement: PBXIP1 is on the minus strand). VCF-style: chr1-154946375-G-A. GRCh37 (hg19) VCF-style: chr1-154918851-G-A.
Other names: c.1212C>T, p.Gly404= (NM_001317734.2); c.834C>T, p.Gly278= (NM_001317735.2).
Identifiers: ClinVar variation 2639383 (VCV002639383.24), dbSNP rs2525186926, ClinGen allele CA421234271.